The following is an entry in ClinVar:

ClinVar aggregate classification (germline): Likely benign. Review status: criteria provided, multiple submitters, no conflicts (2 of 4 stars). 3 submissions from 3 submitters: Likely benign (2). 1 of the submissions does not count toward it. Last evaluated 2025-10-01.

Conditions:
SETBP1-related disorder. Also called: SETBP1-related condition; SETBP1-related disorders.

Allele frequency attached by ClinVar (database versions not stated): gnomAD 0.00001; gnomAD exomes 0.00001 and 0.00002; TOPMed 0.00003; ExAC 0.00008.
gnomAD v4.1: 9 of 1,567,002 alleles (0.00057%); highest among the groups gnomAD compares: South Asian, 0.0047%; no homozygotes.

Submissions (3):

CeGaT Center for Human Genetics Tuebingen
Classification: Likely benign. Last evaluated: 2025-10-01. Review status: criteria provided, single submitter. Criteria: CeGaT Center For Human Genetics Tuebingen Variant Classification Criteria Version 2. Collection method: clinical testing. Allele origin: germline. Affected: yes. Observed: 1 variant allele.
Comment: SETBP1: BP4, BP7

Labcorp Genetics (formerly Invitae), Labcorp
Classification: Likely benign. Last evaluated: 2024-05-02. Review status: criteria provided, single submitter. Criteria: Invitae Variant Classification Sherloc (09022015). Collection method: clinical testing. Allele origin: germline.

PreventionGenetics, part of Exact Sciences
Classification: Likely benign for SETBP1-related condition. Last evaluated: 2021-11-03. Review status: no assertion criteria provided. Collection method: clinical testing. Allele origin: germline. Not counted in ClinVar's aggregate classification.
Comment: This variant is classified as likely benign based on ACMG/AMP sequence variant interpretation guidelines (Richards et al. 2015 PMID: 25741868, with internal and published modifications).

NM_015559.3(SETBP1):c.4464G>A (p.Lys1488=)

Gene: SETBP1 (SET binding protein 1; plus strand). Cytogenetic location: 18q12.3.
Variant type: single nucleotide variant.
Coding change: c.4464G>A on transcript NM_015559.3 (MANE Select); coding-DNA position 4464, G replaced by A.
Protein change: p.Lys1488=; no amino-acid change (lysine 1488 retained).
Molecular consequence: synonymous variant.
Genome position (GRCh38, 1-based): chr18:45,063,371, G>A. VCF-style: chr18-45063371-G-A. GRCh37 (hg19) VCF-style: chr18-42643336-G-A.
Other names: c.4464G>A, p.Lys1488= (NM_001379141.1, NM_001379142.1); c.4464G>A (NM_015559.2).
Identifiers: ClinVar variation 1548263 (VCV001548263.16), dbSNP rs752637901, ClinGen allele CA8946144.
Genomic context (GRCh38, chr18:45,063,371, plus strand): 5'-CAGAGACCAAATGCCGGTGCTGGAAAAATGCATCGACCTGCCCAGCAAAAGAGGCCAGAA[G>A]CCCAGCCTGAGCCCGCTGGTGCTGGAGCCCGCCGCCAGCCAAGACACCATCATGGCCACC-3'
Protein context (NP_056374.2, residues 1478-1498): CIDLPSKRGQ[Lys1488=]PSLSPLVLEP